The following is an entry in ClinVar:

NM_006946.4(SPTBN2):c.5495T>G (p.Leu1832Arg)

Gene: SPTBN2 (spectrin beta, non-erythrocytic 2; minus strand). Cytogenetic location: 11q13.2.
Variant type: single nucleotide variant.
Coding change: c.5495T>G on transcript NM_006946.4 (MANE Select); coding-DNA position 5495, T replaced by G.
Protein change: p.Leu1832Arg; replaces leucine 1832 with arginine.
Molecular consequence: missense variant.
Genome position (GRCh38, 1-based): chr11:66,691,354, A>C on the plus strand (T>G on the coding strand, the complement: SPTBN2 is on the minus strand). VCF-style: chr11-66691354-A-C. GRCh37 (hg19) VCF-style: chr11-66458825-A-C.
Other names: p.Leu1832Arg; c.5495T>G (NM_006946.2, NM_006946.3); short protein forms L1832R.
Identifiers: ClinVar variation 1566412 (VCV001566412.15), dbSNP rs202081167, ClinGen allele CA6128257.

ClinVar aggregate classification (germline): Conflicting classifications of pathogenicity. Review status: criteria provided, conflicting classifications (1 of 4 stars). 6 submissions from 6 submitters: Uncertain significance (4); Likely benign (2). Last evaluated 2025-07-07.

Conditions:
Autosomal recessive spinocerebellar ataxia 14. Also called: CEREBELLAR ATAXIA, AUTOSOMAL RECESSIVE, SPECTRIN-ASSOCIATED, 1. Identifiers: Orphanet 352403, MedGen C4706415, MONDO:0014159, OMIM 615386.
Spinocerebellar ataxia type 5 (SCA5). Identifiers: Orphanet 98766, MedGen C0752123, MONDO:0010848, OMIM 600224.
Inborn genetic diseases. Identifiers: MedGen C0950123, MeSH D030342.

Allele frequency attached by ClinVar (database versions not stated): gnomAD exomes 0.00013 and 0.00024; gnomAD 0.00014 and 0.00016; ESP Exome Variant Server 0.00015; ExAC 0.00016; TOPMed 0.00016.

Submissions (6):

Labcorp Genetics (formerly Invitae), Labcorp
Classification: Likely benign. Last evaluated: 2025-07-07. Review status: criteria provided, single submitter. Criteria: Invitae Variant Classification Sherloc (09022015). Collection method: clinical testing. Allele origin: germline.

Ambry Genetics
Classification: Uncertain significance for Inborn genetic diseases. Last evaluated: 2025-04-15. Review status: criteria provided, single submitter. Criteria: Ambry Variant Classification Scheme 2023. Collection method: clinical testing. Allele origin: germline.

Mayo Clinic Laboratories, Mayo Clinic
Classification: Uncertain significance. Last evaluated: 2025-03-10. Review status: criteria provided, single submitter. Criteria: ACMG Guidelines, 2015. Collection method: clinical testing. Allele origin: germline. Observed: 1 variant allele.
Comment: BP4_moderate

Athena Diagnostics
Classification: Likely benign. Last evaluated: 2024-03-18. Review status: criteria provided, single submitter. Criteria: Athena Diagnostics Criteria. Collection method: clinical testing. Allele origin: unknown.

Department of Pathology and Laboratory Medicine, Sinai Health System
Classification: Uncertain significance for Spinocerebellar ataxia type 5; Autosomal recessive spinocerebellar ataxia 14. Last evaluated: 2022-09-15. Review status: criteria provided, single submitter. Criteria: ACMG Guidelines, 2015. Collection method: research. Allele origin: germline.

Revvity Omics, Revvity
Classification: Uncertain significance. Last evaluated: 2022-04-12. Review status: criteria provided, single submitter. Criteria: ACMG Guidelines, 2015. Collection method: clinical testing. Allele origin: germline.